The following is an entry in ClinVar:

NM_000465.4(BARD1):c.589A>T (p.Lys197Ter)

Gene: BARD1 (BRCA1 associated RING domain 1; minus strand). Cytogenetic location: 2q35.
Variant type: single nucleotide variant.
Coding change: c.589A>T on transcript NM_000465.4 (MANE Select); coding-DNA position 589, A replaced by T.
Protein change: p.Lys197Ter; replaces lysine 197 with a stop codon.
Molecular consequence: nonsense. On other transcripts: non-coding transcript variant (2), intron variant (3).
Genome position (GRCh38, 1-based): chr2:214,781,285, T>A on the plus strand (A>T on the coding strand, the complement: BARD1 is on the minus strand). VCF-style: chr2-214781285-T-A. GRCh37 (hg19) VCF-style: chr2-215646009-T-A.
Other names: c.532A>T, p.Lys178Ter (NM_001282543.2); c.158+28127A>T (NM_001282548.2); c.215+15776A>T (NM_001282545.2); c.364+11012A>T (NM_001282549.2); short protein forms K178*, K197*.
Identifiers: ClinVar variation 2584266 (VCV002584266.2), dbSNP rs2469511563, ClinGen allele CA350456804.

ClinVar aggregate classification (germline): Pathogenic (1 of 4 stars; one submission).

Conditions:
Familial cancer of breast. Also called: BREAST CANCER, FAMILIAL; hereditary breast carcinoma; Hereditary breast cancer. Identifiers: Orphanet 227535, MedGen C0346153, MONDO:0016419, OMIM 114480. Disease mechanism: loss of function.

Submission:

Myriad Genetics, Inc.
Classification: Pathogenic for Familial cancer of breast. Last evaluated: 2023-05-19. Review status: criteria provided, single submitter. Criteria: Myriad Autosomal Dominant, Autosomal Recessive and X-Linked Classification Criteria (2023). Collection method: clinical testing. Allele origin: unknown.
Comment: This variant is considered pathogenic. This variant creates a termination codon and is predicted to result in premature protein truncation.